The following is an entry in ClinVar:

ClinVar aggregate classification (germline): Uncertain significance (1 of 4 stars; one submission).

Submission:

GeneDx
Classification: Uncertain significance. Last evaluated: 2024-05-12. Review status: criteria provided, single submitter. Criteria: GeneDx Variant Classification Process June 2021. Collection method: clinical testing. Allele origin: germline. Affected: yes.
Comment: Canonical splice site variant in a gene for which loss-of-function is not a known mechanism of disease; No data available from control populations to assess the frequency of this variant; Has not been previously published as pathogenic or benign to our knowledge

NM_000217.3(KCNA1):c.-540+1G>T

Gene: KCNA1 (potassium voltage-gated channel subfamily A member 1; plus strand). Cytogenetic location: 12p13.32.
Variant type: single nucleotide variant.
Coding change: c.-540+1G>T on transcript NM_000217.3 (MANE Select); the canonical splice donor site of the intron after 540 bases upstream of the start codon, G replaced by T.
Molecular consequence: splice donor variant.
Genome position (GRCh38, 1-based): chr12:4,910,473, G>T. VCF-style: chr12-4910473-G-T. GRCh37 (hg19) VCF-style: chr12-5019639-G-T.
Identifiers: ClinVar variation 3378352 (VCV003378352.1).